The following is an entry in ClinVar:

ClinVar aggregate classification (germline): Conflicting classifications of pathogenicity. Review status: criteria provided, conflicting classifications (1 of 4 stars). 3 submissions from 3 submitters: Uncertain significance (2); Benign (1). Last evaluated 2026-03-01.

Conditions:
Bethlem myopathy 1A. Also called: MYOPATHY, BENIGN CONGENITAL, WITH CONTRACTURES; Bethlem myopathy 1; Bethlem Muscular Dystrophy. Identifiers: Orphanet 610, MedGen CN029274, MONDO:0024530, OMIM 158810.
Inborn genetic diseases. Identifiers: MedGen C0950123, MeSH D030342.

Allele frequency attached by ClinVar (database versions not stated): gnomAD exomes below 0.00001; TOPMed below 0.00001.

Submissions (3):

CeGaT Center for Human Genetics Tuebingen
Classification: Uncertain significance. Last evaluated: 2026-03-01. Review status: criteria provided, single submitter. Criteria: CeGaT Center For Human Genetics Tuebingen Variant Classification Criteria Version 2. Collection method: clinical testing. Allele origin: germline. Affected: yes. Observed: 1 variant allele.
Comment: COL6A1: PM2

Labcorp Genetics (formerly Invitae), Labcorp
Classification: Benign for Bethlem myopathy 1A. Last evaluated: 2023-05-23. Review status: criteria provided, single submitter. Criteria: Invitae Variant Classification Sherloc (09022015). Collection method: clinical testing. Allele origin: germline.

Ambry Genetics
Classification: Uncertain significance for Inborn genetic diseases. Last evaluated: 2023-04-28. Review status: criteria provided, single submitter. Criteria: Ambry Variant Classification Scheme 2023. Collection method: clinical testing. Allele origin: germline.

NM_001848.3(COL6A1):c.316A>G (p.Met106Val)

Gene: COL6A1 (collagen type VI alpha 1 chain; plus strand). Cytogenetic location: 21q22.3.
Variant type: single nucleotide variant.
Coding change: c.316A>G on transcript NM_001848.3 (MANE Select); coding-DNA position 316, A replaced by G.
Protein change: p.Met106Val; replaces methionine 106 with valine.
Molecular consequence: missense variant.
Genome position (GRCh38, 1-based): chr21:45,984,357, A>G. VCF-style: chr21-45984357-A-G. GRCh37 (hg19) VCF-style: chr21-47404271-A-G.
Other names: c.316A>G (NM_001848.2); short protein forms M106V.
Identifiers: ClinVar variation 1381099 (VCV001381099.14), dbSNP rs1365404018, ClinGen allele CA410516001.